The following is an entry in ClinVar:

ClinVar aggregate classification (germline): Pathogenic (1 of 4 stars; one submission).

Conditions:
Joubert syndrome 3 (JBTS3). Also called: AHI1-related Ciliopathy. Identifiers: Orphanet 220493, MedGen C1837713, MONDO:0012078, OMIM 608629.

Submission:

Myriad Genetics, Inc.
Classification: Pathogenic for Joubert syndrome 3. Last evaluated: 2024-05-15. Review status: criteria provided, single submitter. Criteria: Myriad Autosomal Dominant, Autosomal Recessive and X-Linked Classification Criteria (2023). Collection method: clinical testing. Allele origin: unknown.
Comment: NM_001134831.1(AHI1):c.2263G>T(E755*) is expected to be pathogenic in the context of Joubert syndrome, AHI1-related. This variant is predicted to lead to an abnormal or absent protein product due to the creation of a premature termination codon in AHI1, a gene where loss-of-function variants are known to be pathogenic. Please note: this variant was assessed in the context of healthy population screening.

NM_001134831.2(AHI1):c.2263G>T (p.Glu755Ter)

Gene: AHI1 (Abelson helper integration site 1; minus strand). Cytogenetic location: 6q23.3.
Variant type: single nucleotide variant.
Coding change: c.2263G>T on transcript NM_001134831.2 (MANE Select); coding-DNA position 2263, G replaced by T.
Protein change: p.Glu755Ter; replaces glutamic acid 755 with a stop codon.
Molecular consequence: nonsense.
Genome position (GRCh38, 1-based): chr6:135,433,030, C>A on the plus strand (G>T on the coding strand, the complement: AHI1 is on the minus strand). VCF-style: chr6-135433030-C-A. GRCh37 (hg19) VCF-style: chr6-135754168-C-A.
Other names: c.2263G>T, p.Glu755Ter (NM_001134830.2, NM_001134832.2, NM_001350503.2 and 2 more transcripts); short protein forms E755*.
Identifiers: ClinVar variation 5013057 (VCV005013057.1).
Genomic context (GRCh38, chr6:135,433,030, plus strand): 5'-TTCTGGTAAAAAAAAATTCTTCACATAGCTGGTCTTCATTCATAGTCTCTGACATACCTT[C>A]AGTATCAAAACAAAGTGAGTTGATAAAACTTTTGTGAACATCAAACTGTCGGACCAATAT-3'